The following is an entry in ClinVar:

NM_005097.4(LGI1):c.214T>C (p.Leu72=)

Gene: LGI1 (leucine rich glioma inactivated 1; plus strand). Cytogenetic location: 10q23.33.
Variant type: single nucleotide variant.
Coding change: c.214T>C on transcript NM_005097.4 (MANE Select); coding-DNA position 214, T replaced by C.
Protein change: p.Leu72=; no amino-acid change (leucine 72 retained).
Molecular consequence: synonymous variant. On other transcripts: non-coding transcript variant (1).
Genome position (GRCh38, 1-based): chr10:93,758,358, T>C. VCF-style: chr10-93758358-T-C. GRCh37 (hg19) VCF-style: chr10-95518115-T-C.
Other names: c.214T>C, p.Leu72= (NM_001308275.2, NM_001308276.2).
Identifiers: ClinVar variation 4705803 (VCV004705803.1).
Genomic context (GRCh38, chr10:93,758,358, plus strand): 5'-AATGCTTTATGTGAGAATGCCAGATCCATTCCACGCACCGTTCCTCCTGATGTTATCTCA[T>C]TGTAAGGCCCGTAAGCATTTTGATATCTAATTTACGATTTAAAAATTCCAGCCGGTGGAT-3'
Protein context (NP_005088.1, residues 62-82): PRTVPPDVIS[Leu72=]SFVRSGFTEI

ClinVar aggregate classification (germline): Uncertain significance (1 of 4 stars; one submission).

Conditions:
Autosomal dominant epilepsy with auditory features. Identifiers: Orphanet 101046, MedGen C1838062, MONDO:0010898.

Submission:

Labcorp Genetics (formerly Invitae), Labcorp
Classification: Uncertain significance for Autosomal dominant epilepsy with auditory features. Last evaluated: 2025-03-11. Review status: criteria provided, single submitter. Criteria: Invitae Variant Classification Sherloc (09022015). Collection method: clinical testing. Allele origin: germline.
Comment: This sequence change affects codon 72 of the LGI1 mRNA. It is a 'silent' change, meaning that it does not change the encoded amino acid sequence of the LGI1 protein. It affects a nucleotide within the consensus splice site. This variant is not present in population databases (gnomAD no frequency). This variant has not been reported in the literature in individuals affected with LGI1-related conditions. Algorithms developed to predict the effect of sequence changes on RNA splicing suggest that this variant is not likely to affect RNA splicing. In summary, the available evidence is currently insufficient to determine the role of this variant in disease. Therefore, it has been classified as a Variant of Uncertain Significance.